The following is an entry in ClinVar:

ClinVar aggregate classification (germline): Pathogenic (1 of 4 stars; one submission).

Conditions:
Familial hemophagocytic lymphohistiocytosis 5. Also called: STXBP2-Related Familial Hemophagocytic Lymphohistiocytosis (STXBP2-fHLH). Identifiers: Orphanet 540, MedGen C2751293, MONDO:0013135, OMIM 613101.

Submission:

Labcorp Genetics (formerly Invitae), Labcorp
Classification: Pathogenic for Familial hemophagocytic lymphohistiocytosis 5. Last evaluated: 2024-10-22. Review status: criteria provided, single submitter. Criteria: Invitae Variant Classification Sherloc (09022015). Collection method: clinical testing. Allele origin: germline.
Comment: This sequence change creates a premature translational stop signal (p.Tyr154*) in the STXBP2 gene. It is expected to result in an absent or disrupted protein product. Loss-of-function variants in STXBP2 are known to be pathogenic (PMID: 19804848, 22451424). This variant is not present in population databases (gnomAD no frequency). This variant has not been reported in the literature in individuals affected with STXBP2-related conditions. Algorithms developed to predict the effect of sequence changes on RNA splicing suggest that this variant may disrupt the consensus splice site. For these reasons, this variant has been classified as Pathogenic.

Literature cited by the submitters: PubMed 19804848; PubMed 22451424.

NM_006949.4(STXBP2):c.462C>A (p.Tyr154Ter)

Gene: STXBP2 (syntaxin binding protein 2; plus strand). Cytogenetic location: 19p13.2.
Variant type: single nucleotide variant.
Coding change: c.462C>A on transcript NM_006949.4 (MANE Select); coding-DNA position 462, C replaced by A.
Protein change: p.Tyr154Ter; replaces tyrosine 154 with a stop codon.
Molecular consequence: nonsense. On other transcripts: non-coding transcript variant (1).
Genome position (GRCh38, 1-based): chr19:7,641,737, C>A. VCF-style: chr19-7641737-C-A. GRCh37 (hg19) VCF-style: chr19-7706623-C-A.
Other names: c.453C>A, p.Tyr151Ter (NM_001127396.3); c.495C>A, p.Tyr165Ter (NM_001272034.2); c.366C>A, p.Tyr122Ter (NM_001414484.1); short protein forms Y154*, Y122*, Y151*, Y165*.
Identifiers: ClinVar variation 3723559 (VCV003723559.2).